The following is an entry in ClinVar:

NM_004963.4(GUCY2C):c.2200A>C (p.Lys734Gln)

Gene: GUCY2C (guanylate cyclase 2C; minus strand). Cytogenetic location: 12p12.3.
Variant type: single nucleotide variant.
Coding change: c.2200A>C on transcript NM_004963.4 (MANE Select); coding-DNA position 2200, A replaced by C.
Protein change: p.Lys734Gln; replaces lysine 734 with glutamine.
Molecular consequence: missense variant.
Genome position (GRCh38, 1-based): chr12:14,628,695, T>G on the plus strand (A>C on the coding strand, the complement: GUCY2C is on the minus strand). VCF-style: chr12-14628695-T-G. GRCh37 (hg19) VCF-style: chr12-14781629-T-G.
Other names: short protein forms K734Q.
Identifiers: ClinVar variation 3618855 (VCV003618855.2).

ClinVar aggregate classification (germline): Uncertain significance (1 of 4 stars; one submission).

gnomAD v4.1: 4 of 1,604,010 alleles (0.00025%); highest among the groups gnomAD compares: Non-Finnish European, 0.00026%; no homozygotes.

Submission:

Labcorp Genetics (formerly Invitae), Labcorp
Classification: Uncertain significance. Last evaluated: 2025-12-09. Review status: criteria provided, single submitter. Criteria: Invitae Variant Classification Sherloc (09022015). Collection method: clinical testing. Allele origin: germline.
Comment: This sequence change replaces lysine, which is basic and polar, with glutamine, which is neutral and polar, at codon 734 of the GUCY2C protein (p.Lys734Gln). This variant is not present in population databases (gnomAD no frequency). This variant has not been reported in the literature in individuals affected with GUCY2C-related conditions. ClinVar contains an entry for this variant (Variation ID: 3618855). Invitae Evidence Modeling of protein sequence and biophysical properties (such as structural, functional, and spatial information, amino acid conservation, physicochemical variation, residue mobility, and thermodynamic stability) indicates that this missense variant is not expected to disrupt GUCY2C protein function with a negative predictive value of 80%. In summary, the available evidence is currently insufficient to determine the role of this variant in disease. Therefore, it has been classified as a Variant of Uncertain Significance.